The following is an entry in ClinVar:

ClinVar aggregate classification (germline): Pathogenic (1 of 4 stars; one submission).

Conditions:
Hereditary cancer-predisposing syndrome. Also called: Neoplastic Syndromes, Hereditary; Tumor predisposition; Hereditary Cancer Syndrome; Hereditary neoplastic syndrome. Identifiers: Orphanet 140162, MedGen C0027672, MeSH D009386, MONDO:0015356.

Submission:

Ambry Genetics
Classification: Pathogenic for Hereditary cancer-predisposing syndrome. Last evaluated: 2025-11-25. Review status: criteria provided, single submitter. Criteria: Ambry Variant Classification Scheme 2023. Collection method: clinical testing. Allele origin: germline.
Comment: The c.6345_6355dup11 pathogenic mutation, located in coding exon 15 of the APC gene, results from a duplication of ACATCAAGCTG at nucleotide position 6345, causing a translational frameshift with a predicted alternate stop codon (p.A2119Dfs*24). This alteration occurs at the 3' terminus of the gene, is not expected to trigger nonsense-mediated mRNA decay, and impacts the last 25% of the protein. However, premature stop codons are typically deleterious in nature and a significant portion of the protein is affected (Ambry internal data). This variant was reported in individual(s) with features consistent with familial adenomatous polyposis (Ambry internal data). This variant is considered to be rare based on population cohorts in the Genome Aggregation Database (gnomAD). Based on the supporting evidence, this variant is interpreted as a disease-causing mutation.

NM_000038.6(APC):c.6345_6355dup (p.Ala2119fs)

Gene: APC (APC regulator of Wnt signaling pathway; plus strand). Cytogenetic location: 5q22.2.
Variant type: Duplication.
Coding change: c.6345_6355dup on transcript NM_000038.6 (MANE Select); coding-DNA positions 6345 to 6355, 11 bases duplicated (ACATCAAGCTG).
Protein change: p.Ala2119fs; shifts the reading frame from alanine 2119.
Molecular consequence: frameshift variant. On other transcripts: non-coding transcript variant (2).
Genome position (GRCh38, 1-based): chr5:112,841,939-112,841,949, ACATCAAGCTG duplicated. VCF-style (leftmost placement, unchanged base first): chr5-112841938-T-TACATCAAGCTG. GRCh37 (hg19) VCF-style: chr5-112177635-T-TACATCAAGCTG.
Other names: c.6345_6355dup, p.Ala2119fs (NM_001127510.3, NM_001354895.2, NM_001407450.1); c.6291_6301dup, p.Ala2101fs (NM_001127511.3); c.6399_6409dup, p.Ala2137fs (NM_001354896.2, NM_001407447.1, NM_001407448.1 and 1 more transcripts); c.6375_6385dup, p.Ala2129fs (NM_001354897.2); c.6270_6280dup, p.Ala2094fs (NM_001354898.2); c.6261_6271dup, p.Ala2091fs (NM_001354899.2); c.6222_6232dup, p.Ala2078fs (NM_001354900.2); c.6168_6178dup, p.Ala2060fs (NM_001354901.2, NM_001407453.1); and 11 more; short protein forms A1993fs, A2036fs, A2112fs, A1836fs, A1959fs, A2018fs, A2028fs, A2078fs.
Identifiers: ClinVar variation 4592659 (VCV004592659.1).
Genomic context (GRCh38, chr5:112,841,938, plus strand): 5'-ATTCAGAAAATTTTGATTGGAAAGCTATTCAGGAAGGTGCAAATTCCATAGTAAGTAGTT[T>TACATCAAGCTG]ACATCAAGCTGCTGCTGCTGCATGTTTATCTAGACAAGCTTCGTCTGATTCAGATTCCAT-3'